The following is an entry in ClinVar:

ClinVar aggregate classification (germline): Uncertain significance (1 of 4 stars; one submission).

Conditions:
Ehlers-Danlos syndrome, classic type, 1 (EDSCL1). Also called: EDS I; EHLERS-DANLOS SYNDROME, GRAVIS TYPE; EHLERS-DANLOS SYNDROME, SEVERE CLASSIC TYPE; Ehlers-Danlos syndrome, type 1; Ehlers-Danlos Syndrome, Classic Type, COL5A1-Related. Identifiers: MedGen C0268335, MONDO:0019567, OMIM 130000.
Osteogenesis imperfecta type I (OI1). Also called: Classic Non-deforming Osteogenesis Imperfecta with Blue Sclerae; OI, TYPE I; OSTEOGENESIS IMPERFECTA TARDA; OSTEOGENESIS IMPERFECTA WITH BLUE SCLERAE; Osteogenesis imperfecta type 1; Lobstein's Disease. Identifiers: Orphanet 216796, Orphanet 666, MedGen C0023931, MONDO:0008146, OMIM 166200. Disease mechanism: loss of function.

Submission:

Labcorp Genetics (formerly Invitae), Labcorp
Classification: Uncertain significance for Osteogenesis imperfecta type I; Ehlers-Danlos syndrome, classic type, 1. Last evaluated: 2022-09-01. Review status: criteria provided, single submitter. Criteria: Invitae Variant Classification Sherloc (09022015). Collection method: clinical testing. Allele origin: germline.
Comment: This variant is not present in population databases (gnomAD no frequency). In summary, the available evidence is currently insufficient to determine the role of this variant in disease. Therefore, it has been classified as a Variant of Uncertain Significance. Advanced modeling of protein sequence and biophysical properties (such as structural, functional, and spatial information, amino acid conservation, physicochemical variation, residue mobility, and thermodynamic stability) performed at Invitae indicates that this missense variant is not expected to disrupt COL1A2 protein function. This variant has not been reported in the literature in individuals affected with COL1A2-related conditions. This sequence change replaces threonine, which is neutral and polar, with alanine, which is neutral and non-polar, at codon 1187 of the COL1A2 protein (p.Thr1187Ala).

NM_000089.4(COL1A2):c.3559A>G (p.Thr1187Ala)

Gene: COL1A2 (collagen type I alpha 2 chain; plus strand). Cytogenetic location: 7q21.3.
Variant type: single nucleotide variant.
Coding change: c.3559A>G on transcript NM_000089.4 (MANE Select); coding-DNA position 3559, A replaced by G.
Protein change: p.Thr1187Ala; replaces threonine 1187 with alanine.
Molecular consequence: missense variant.
Genome position (GRCh38, 1-based): chr7:94,428,325, A>G. VCF-style: chr7-94428325-A-G. GRCh37 (hg19) VCF-style: chr7-94057637-A-G.
Other names: short protein forms T1187A.
Identifiers: ClinVar variation 2417708 (VCV002417708.9), dbSNP rs2484739532, ClinGen allele CA368226242.